The following is an entry in ClinVar:

NM_181458.4(PAX3):c.193C>A (p.His65Asn)

Gene: PAX3 (paired box 3; minus strand). Cytogenetic location: 2q36.1.
Variant type: single nucleotide variant.
Coding change: c.193C>A on transcript NM_181458.4 (MANE Select); coding-DNA position 193, C replaced by A.
Protein change: p.His65Asn; replaces histidine 65 with asparagine.
Molecular consequence: missense variant.
Genome position (GRCh38, 1-based): chr2:222,297,106, G>T on the plus strand (C>A on the coding strand, the complement: PAX3 is on the minus strand). VCF-style: chr2-222297106-G-T. GRCh37 (hg19) VCF-style: chr2-223161825-G-T.
Other names: c.193C>A, p.His65Asn (NM_000438.6, NM_001127366.3, NM_013942.5 and 4 more transcripts); short protein forms H65N.
Identifiers: ClinVar variation 3775243 (VCV003775243.3).

ClinVar aggregate classification (germline): Uncertain significance. Review status: criteria provided, multiple submitters, no conflicts (2 of 4 stars). 2 submissions from 2 submitters: Uncertain significance (2). Last evaluated 2026-01-06.

Conditions:
Waardenburg syndrome type 3 (WS3). Also called: KLEIN-WAARDENBURG SYNDROME; WAARDENBURG SYNDROME WITH UPPER LIMB ANOMALIES; Klein-Waardenberg's syndrome. Identifiers: Orphanet 3440, Orphanet 896, MedGen C0079661, MONDO:0007862, OMIM 148820.

gnomAD v4.1: 3 of 1,613,900 alleles (0.00019%); highest among the groups gnomAD compares: Admixed American, 0.005%; no homozygotes.

Submissions (2):

Dasa
Classification: Uncertain significance. Last evaluated: 2026-01-06. Review status: criteria provided, single submitter. Criteria: DASA Assertion Criteria. Collection method: clinical testing. Allele origin: germline.
Comment: NM_181458.4(PAX3):c.193C>A (p.His65Asn) is a missense variant that results in the substitution of histidine with asparagine. This variant is rare in population databases. Computational prediction algorithms are consistent with a deleterious effect. The currently available literature and clinical evidence are not sufficient to establish a definitive association between this variant and the reported condition. Therefore, this variant is classified as a variant of uncertain significance.

3billion
Classification: Uncertain significance for Waardenburg syndrome type 3. Last evaluated: 2023-08-16. Review status: criteria provided, single submitter. Criteria: ACMG Guidelines, 2015. Collection method: clinical testing. Allele origin: germline. Affected: yes.
Comment: The variant is not observed in the gnomAD v2.1.1 dataset. Predicted Consequence/Location: The variant is located in a mutational hot spot and/or well-established functional domain in which established pathogenic variants have been reported. In silico tool predictions suggest damaging effect of the variant on gene or gene product [REVEL: 0.67 (>=0.6, sensitivity 0.68 and specificity 0.92); 3Cnet: 0.90 (>=0.6, sensitivity 0.72 and precision 0.9)]. Therefore, this variant is classified as VUS according to the recommendation of ACMG/AMP guideline.